The following is an entry in ClinVar:

ClinVar aggregate classification (germline): Likely benign. Review status: criteria provided, multiple submitters, no conflicts (2 of 4 stars). 2 submissions from 2 submitters: Likely benign (2). Last evaluated 2024-01-07.

Allele frequency attached by ClinVar (database versions not stated): gnomAD 0.00001 and 0.00016; gnomAD exomes 0.00002; 1000 Genomes Project 30x 0.00016; 1000 Genomes Project 0.00020; TOPMed 0.00027.
gnomAD v4.1: 47 of 1,612,126 alleles (0.0029%); highest among the groups gnomAD compares: Middle Eastern, 0.016%; no homozygotes.

Submissions (2):

Labcorp Genetics (formerly Invitae), Labcorp
Classification: Likely benign. Last evaluated: 2024-01-07. Review status: criteria provided, single submitter. Criteria: Invitae Variant Classification Sherloc (09022015). Collection method: clinical testing. Allele origin: germline.

Laboratory for Molecular Medicine, Mass General Brigham Personalized Medicine
Classification: Likely benign. Last evaluated: 2010-08-19. Review status: criteria provided, single submitter. Criteria: LMM Criteria. Collection method: clinical testing. Allele origin: germline. Observed: 1 variant allele.
Comment: Pro983Pro in exon 24 of OTOF: This variant is not expected to have clinical sign ificance because it does not alter an amino acid residue and is not located in a known consensus splice site.

NM_194248.3(OTOF):c.2949C>T (p.Pro983=)

Gene: OTOF (otoferlin; minus strand). Cytogenetic location: 2p23.3.
Variant type: single nucleotide variant.
Coding change: c.2949C>T on transcript NM_194248.3 (MANE Select); coding-DNA position 2949, C replaced by T.
Protein change: p.Pro983=; no amino-acid change (proline 983 retained).
Molecular consequence: synonymous variant.
Genome position (GRCh38, 1-based): chr2:26,475,956, G>A on the plus strand (C>T on the coding strand, the complement: OTOF is on the minus strand). VCF-style: chr2-26475956-G-A. GRCh37 (hg19) VCF-style: chr2-26698824-G-A.
Other names: c.2949C>T, p.Pro983= (NM_001287489.2); c.708C>T, p.Pro236= (NM_004802.4, NM_194323.3); c.879C>T, p.Pro293= (NM_194322.3).
Identifiers: ClinVar variation 48210 (VCV000048210.8), dbSNP rs200246317, ClinGen allele CA142834.
Genomic context (GRCh38, chr2:26,475,956, plus strand): 5'-CTCCTCCCAGGCCCTCACCTCTGTGCACTGACTCTGATTGATGAAGAAGACGCGGGCAAA[G>A]GGGTCTGAGAGTCCGCTGCTGTCGGCGGCAAAGAGGCTGCGGGCCTGGTACATGTGCGCT-3'
Protein context (NP_919224.1, residues 973-993): FAADSSGLSD[Pro983=]FARVFFINQS